The following is an entry in ClinVar:

ClinVar aggregate classification (germline): Pathogenic (1 of 4 stars; one submission).

Submission:

Labcorp Genetics (formerly Invitae), Labcorp
Classification: Pathogenic. Last evaluated: 2022-01-27. Review status: criteria provided, single submitter. Criteria: Invitae Variant Classification Sherloc (09022015). Collection method: clinical testing. Allele origin: germline.
Comment: For these reasons, this variant has been classified as Pathogenic. This variant has not been reported in the literature in individuals affected with PCARE-related conditions. This variant is not present in population databases (gnomAD no frequency). This sequence change creates a premature translational stop signal (p.Glu227*) in the PCARE gene. It is expected to result in an absent or disrupted protein product. Loss-of-function variants in PCARE are known to be pathogenic (PMID: 20398886, 24339724, 26496393).

Literature cited by the submitters: PubMed 20398886; PubMed 24339724; PubMed 26496393.

NM_001029883.3(PCARE):c.679G>T (p.Glu227Ter)

Gene: PCARE (photoreceptor cilium actin regulator; minus strand). Cytogenetic location: 2p23.2.
Variant type: single nucleotide variant.
Coding change: c.679G>T on transcript NM_001029883.3 (MANE Select); coding-DNA position 679, G replaced by T.
Protein change: p.Glu227Ter; replaces glutamic acid 227 with a stop codon.
Molecular consequence: nonsense.
Genome position (GRCh38, 1-based): chr2:29,073,583, C>A on the plus strand (G>T on the coding strand, the complement: PCARE is on the minus strand). VCF-style: chr2-29073583-C-A. GRCh37 (hg19) VCF-style: chr2-29296449-C-A.
Other names: short protein forms E227*.
Identifiers: ClinVar variation 2090433 (VCV002090433.4), dbSNP rs114057537, ClinGen allele CA346481776.